The following is an entry in ClinVar:

ClinVar aggregate classification (germline): Conflicting classifications of pathogenicity. Review status: criteria provided, conflicting classifications (1 of 4 stars). 7 submissions from 7 submitters: Uncertain significance (3); Likely benign (4). Last evaluated 2026-09-05.

Conditions:
TTN-related disorder. Also called: TTN-related condition; TTN-related disease; TTN-related disorders.
Cardiovascular phenotype. Identifiers: MedGen CN230736.
Autosomal recessive limb-girdle muscular dystrophy type 2J (LGMDR10). Also called: MUSCULAR DYSTROPHY, LIMB-GIRDLE, AUTOSOMAL RECESSIVE 10; Limb-girdle muscular dystrophy, type 2J. Identifiers: Orphanet 140922, MedGen C1837342, MONDO:0012127, OMIM 608807.
Dilated cardiomyopathy 1G (CMD1G). Identifiers: Orphanet 154, MedGen C1858763, MONDO:0011400, OMIM 604145.
Hypertrophic cardiomyopathy 9. Also called: Familial hypertrophic cardiomyopathy 9. Identifiers: MedGen C1861065, MONDO:0013412, OMIM 613765.
Early-onset myopathy with fatal cardiomyopathy (CMYO5). Also called: CONGENITAL MYOPATHY 5 WITH CARDIOMYOPATHY; Salih Myopathy. Identifiers: Orphanet 289377, MedGen C2673677, MONDO:0012714, OMIM 611705. Disease mechanism: loss of function.
Myopathy, myofibrillar, 9, with early respiratory failure (MFM9). Also called: Myopathy, distal, with early respiratory failure, autosomal dominant; EDSTROM MYOPATHY; MYOPATHY, PROXIMAL, WITH EARLY RESPIRATORY MUSCLE INVOLVEMENT; Hereditary myopathy with early respiratory failure. Identifiers: Orphanet 178464, Orphanet 34521, MedGen C1863599, MONDO:0011362, OMIM 603689.
Tibial muscular dystrophy (TMD). Also called: Tibial muscular dystrophy, tardive; UDD MYOPATHY; Udd Distal Myopathy – Tibial Muscular Dystrophy. Identifiers: Orphanet 609, MedGen C1838244, MONDO:0010870, OMIM 600334.

Allele frequency attached by ClinVar (database versions not stated): gnomAD exomes 0.00008; ExAC 0.00010; ESP Exome Variant Server 0.00033; gnomAD 0.00042 and 0.00045; TOPMed 0.00046.
gnomAD v4.1: 112 of 1,612,802 alleles (0.0069%); highest among the groups gnomAD compares: African/African-American, 0.13%; no homozygotes.

Submissions (7):

PreventionGenetics, part of Exact Sciences
Classification: Uncertain significance for TTN-related condition. Last evaluated: 2026-09-05. Review status: criteria provided, single submitter. Criteria: ACMG Guidelines, 2015. Collection method: clinical testing. Allele origin: germline.
Comment: The TTN c.51065C>T variant is predicted to result in the amino acid substitution p.Ala17022Val. This variant has been reported in a cohort study of individuals with dilated cardiomyopathy (Supplemental Table 3 in Mazzarotto et al. 2020. PubMed ID: 31983221). This variant is reported in 0.099% of alleles in individuals of African descent in gnomAD. Although we suspect that this variant may be benign, at this time, the clinical significance of this variant is uncertain due to the absence of conclusive functional and genetic evidence.

Labcorp Genetics (formerly Invitae), Labcorp
Classification: Likely benign for Dilated cardiomyopathy 1G; Autosomal recessive limb-girdle muscular dystrophy type 2J. Last evaluated: 2026-01-18. Review status: criteria provided, single submitter. Criteria: Invitae Variant Classification Sherloc (09022015). Collection method: clinical testing. Allele origin: germline.

Revvity Omics, Revvity
Classification: Uncertain significance. Last evaluated: 2025-06-20. Review status: criteria provided, single submitter. Criteria: ACMG Guidelines, 2015. Collection method: clinical testing. Allele origin: germline.

Blueprint Genetics
Classification: Likely benign. Last evaluated: 2024-07-10. Review status: criteria provided, single submitter. Criteria: ACMG Guidelines, 2015. Collection method: clinical testing. Allele origin: germline.

Ambry Genetics
Classification: Likely benign for Cardiovascular phenotype. Last evaluated: 2020-07-24. Review status: criteria provided, single submitter. Criteria: Ambry Variant Classification Scheme 2023. Collection method: clinical testing. Allele origin: germline.

GeneDx
Classification: Likely benign. Last evaluated: 2020-07-08. Review status: criteria provided, single submitter. Criteria: GeneDx Variant Classification Process June 2021. Collection method: clinical testing. Allele origin: germline. Affected: yes.
Comment: This variant is associated with the following publications: (PMID: 31983221)

Fulgent Genetics
Classification: Uncertain significance for Tibial muscular dystrophy; Myopathy, myofibrillar, 9, with early respiratory failure; Dilated cardiomyopathy 1G; Autosomal recessive limb-girdle muscular dystrophy type 2J; Early-onset myopathy with fatal cardiomyopathy; Hypertrophic cardiomyopathy 9. Last evaluated: 2018-10-31. Review status: criteria provided, single submitter. Criteria: ACMG Guidelines, 2015. Collection method: clinical testing. Allele origin: unknown.

NM_001267550.2(TTN):c.51065C>T (p.Ala17022Val)

Genes: TTN-AS1 (TTN antisense RNA 1; plus strand), TTN (titin; minus strand). Cytogenetic location: 2q31.2.
Variant type: single nucleotide variant.
Coding change: c.51065C>T on transcript NM_001267550.2 (MANE Select); coding-DNA position 51065, C replaced by T.
Protein change: p.Ala17022Val; replaces alanine 17022 with valine.
Molecular consequence: missense variant.
Genome position (GRCh38, 1-based): chr2:178,611,064, G>A on the plus strand (C>T on the coding strand, the complement: TTN is on the minus strand). VCF-style: chr2-178611064-G-A. GRCh37 (hg19) VCF-style: chr2-179475791-G-A.
Other names: c.46142C>T, p.Ala15381Val (NM_001256850.1); c.23870C>T, p.Ala7957Val (NM_003319.4); c.43361C>T, p.Ala14454Val (NM_133378.4); c.24245C>T, p.Ala8082Val (NM_133432.3); c.24446C>T, p.Ala8149Val (NM_133437.4); short protein forms A17022V, A7957V, A15381V, A8082V, A8149V, A14454V.
Identifiers: ClinVar variation 238795 (VCV000238795.23), dbSNP rs372419267, ClinGen allele CA1994257.